The following is an entry in ClinVar:

ClinVar aggregate classification (germline): Likely pathogenic (1 of 4 stars; one submission).

Conditions:
Seizures, benign familial neonatal, 1. Also called: Benign Neonatal Epilepsy 1; KCNQ2-Related Self-Limited Familial Neonatal Epilepsy (SLFNE); Seizures, benign neonatal, 1; KCNQ2-Related Benign Familial Neonatal Epilepsy. Identifiers: Orphanet 1949, MedGen C3149074, MONDO:0007365, OMIM 121200.
Developmental and epileptic encephalopathy, 7 (DEE7). Also called: KCNQ2-Related Neonatal-Onset Developmental and Epileptic Encephalopathy (NEO-DEE); Early infantile epileptic encephalopathy 7; KCNQ2-Related Neonatal Epileptic Encephalopathy. Identifiers: Orphanet 439218, MedGen C3150986, MONDO:0013387, OMIM 613720.

Submission:

Juno Genomics, Hangzhou Juno Genomics, Inc
Classification: Likely pathogenic for Developmental and epileptic encephalopathy, 7; Seizures, benign familial neonatal, 1. Review status: criteria provided, single submitter. Criteria: ACMG Guidelines, 2015. Collection method: clinical testing. Allele origin: germline.
Comment: Null variant in a gene where loss of function (LOF) is a known mechanism of disease.;Absent from controls (or at extremely low frequency if recessive) in Genome Aggregation Database.

NM_172107.4(KCNQ2):c.1094del (p.Arg365fs)

Gene: KCNQ2 (potassium voltage-gated channel subfamily Q member 2; minus strand). Cytogenetic location: 20q13.33.
Variant type: Deletion.
Coding change: c.1094del on transcript NM_172107.4 (MANE Select); coding-DNA position 1094, one base deleted (G; older notation c.1094delG).
Protein change: p.Arg365fs; shifts the reading frame from arginine 365.
Molecular consequence: frameshift variant.
Genome position (GRCh38, 1-based): chr20:63,433,833, C deleted on the plus strand (G on the coding strand, the reverse complement: KCNQ2 is on the minus strand). VCF-style (leftmost placement, unchanged base first): chr20-63433832-TC-T. GRCh37 (hg19) VCF-style: chr20-62065185-TC-T.
Other names: c.1094del, p.Arg365fs (NM_001382235.1, NM_001439003.1, NM_001439004.1 and 4 more transcripts); short protein forms R365fs.
Identifiers: ClinVar variation 5006405 (VCV005006405.2).